The following is an entry in ClinVar:

NM_174889.5(NDUFAF2):c.400T>C (p.Ser134Pro)

Gene: NDUFAF2 (NADH:ubiquinone oxidoreductase complex assembly factor 2; plus strand). Cytogenetic location: 5q12.1.
Variant type: single nucleotide variant.
Coding change: c.400T>C on transcript NM_174889.5 (MANE Select); coding-DNA position 400, T replaced by C.
Protein change: p.Ser134Pro; replaces serine 134 with proline.
Molecular consequence: missense variant.
Genome position (GRCh38, 1-based): chr5:61,152,845, T>C. VCF-style: chr5-61152845-T-C. GRCh37 (hg19) VCF-style: chr5-60448672-T-C.
Other names: short protein forms S134P.
Identifiers: ClinVar variation 1384279 (VCV001384279.6), dbSNP rs992697884, ClinGen allele CA119582120.

ClinVar aggregate classification (germline): Uncertain significance (1 of 4 stars; one submission).

Allele frequency attached by ClinVar (database versions not stated): gnomAD exomes below 0.00001; TOPMed 0.00001.
gnomAD v4.1: 1 of 1,608,658 alleles (0.000062%); highest among the groups gnomAD compares: Non-Finnish European, 0.000085%; no homozygotes.

Submission:

Labcorp Genetics (formerly Invitae), Labcorp
Classification: Uncertain significance. Last evaluated: 2022-08-22. Review status: criteria provided, single submitter. Criteria: Invitae Variant Classification Sherloc (09022015). Collection method: clinical testing. Allele origin: germline.
Comment: This variant is not present in population databases (gnomAD no frequency). This sequence change replaces serine, which is neutral and polar, with proline, which is neutral and non-polar, at codon 134 of the NDUFAF2 protein (p.Ser134Pro). This variant has not been reported in the literature in individuals affected with NDUFAF2-related conditions. In summary, the available evidence is currently insufficient to determine the role of this variant in disease. Therefore, it has been classified as a Variant of Uncertain Significance. Algorithms developed to predict the effect of missense changes on protein structure and function are either unavailable or do not agree on the potential impact of this missense change (SIFT: "Deleterious"; PolyPhen-2: "Probably Damaging"; Align-GVGD: "Class C0"). ClinVar contains an entry for this variant (Variation ID: 1384279).